The following is an entry in ClinVar:

NM_198578.4(LRRK2):c.2282T>C (p.Leu761Ser)

Gene: LRRK2 (leucine rich repeat kinase 2; plus strand). Cytogenetic location: 12q12.
Variant type: single nucleotide variant.
Coding change: c.2282T>C on transcript NM_198578.4 (MANE Select); coding-DNA position 2282, T replaced by C.
Protein change: p.Leu761Ser; replaces leucine 761 with serine.
Molecular consequence: missense variant.
Genome position (GRCh38, 1-based): chr12:40,283,915, T>C. VCF-style: chr12-40283915-T-C. GRCh37 (hg19) VCF-style: chr12-40677717-T-C.
Other names: short protein forms L761S.
Identifiers: ClinVar variation 881178 (VCV000881178.6), dbSNP rs1276618177, ClinGen allele CA384406388.

ClinVar aggregate classification (germline): Uncertain significance. Review status: criteria provided, multiple submitters, no conflicts (2 of 4 stars). 2 submissions from 2 submitters: Uncertain significance (2). Last evaluated 2021-09-16.

Conditions:
Autosomal dominant Parkinson disease 8. Also called: LRRK2-Related Parkinson Disease; Parkinson disease 8; Parkinson disease 8, susceptibility to. Identifiers: Orphanet 411602, MedGen C1846862, MONDO:0011764, OMIM 607060.
Inborn genetic diseases. Identifiers: MedGen C0950123, MeSH D030342.

Allele frequency attached by ClinVar (database versions not stated): gnomAD exomes below 0.00001.
gnomAD v4.1: 2 of 1,613,646 alleles (0.00012%); highest among the groups gnomAD compares: African/African-American, 0.0027%; no homozygotes.

Submissions (2):

Ambry Genetics
Classification: Uncertain significance for Inborn genetic diseases. Last evaluated: 2021-09-16. Review status: criteria provided, single submitter. Criteria: Ambry Variant Classification Scheme 2023. Collection method: clinical testing. Allele origin: germline.
Comment: The p.L761S variant (also known as c.2282T>C), located in coding exon 19 of the LRRK2 gene, results from a T to C substitution at nucleotide position 2282. The leucine at codon 761 is replaced by serine, an amino acid with dissimilar properties. This amino acid position is conserved. In addition, this alteration is predicted to be deleterious by in silico analysis. Since supporting evidence is limited at this time, the clinical significance of this alteration remains unclear.

Illumina Laboratory Services, Illumina
Classification: Uncertain significance for Autosomal dominant Parkinson disease 8. Last evaluated: 2018-01-12. Review status: criteria provided, single submitter. Criteria: ICSL Variant Classification Criteria 13 December 2019. Collection method: clinical testing. Allele origin: germline.